The following is an entry in ClinVar:

ClinVar aggregate classification (germline): Conflicting classifications of pathogenicity. Review status: criteria provided, conflicting classifications (1 of 4 stars). 3 submissions from 3 submitters: Uncertain significance (2); Likely benign (1). Last evaluated 2025-09-08.

Conditions:
Familial cold autoinflammatory syndrome 2 (FCAS2). Identifiers: Orphanet 247868, MedGen C2673198, MONDO:0012724, OMIM 611762.

Allele frequency attached by ClinVar (database versions not stated): gnomAD below 0.00001 and 0.00002; TOPMed 0.00001; ExAC 0.00003; gnomAD exomes 0.00004; 1000 Genomes Project 0.00040.
gnomAD v4.1: 37 of 1,614,030 alleles (0.0023%); highest among the groups gnomAD compares: South Asian, 0.033%; 1 homozygote.

Submissions (3):

Women's Health and Genetics/Laboratory Corporation of America, LabCorp
Classification: Likely benign. Last evaluated: 2025-09-08. Review status: criteria provided, single submitter. Criteria: LabCorp Variant Classification Summary - May 2015. Collection method: clinical testing. Allele origin: germline.
Comment: Variant summary: NLRP12 c.959C>T (p.Thr320Met) results in a non-conservative amino acid change in the encoded protein sequence. Algorithms developed to predict the effect of missense changes on protein structure and function are either unavailable or do not agree on the potential impact of this missense change. The variant allele was found at a frequency of 4.4e-05 in 251254 control chromosomes. The observed variant frequency exceeds the estimated maximal expected allele frequency for disease-causing variants in NLRP12. To our knowledge, no occurrence of c.959C>T in individuals affected with NLRP12-related conditions and no experimental evidence demonstrating its impact on protein function have been reported. ClinVar contains an entry for this variant (Variation ID: 849890). Based on the evidence outlined above, the variant was classified as likely benign.

Labcorp Genetics (formerly Invitae), Labcorp
Classification: Uncertain significance for Familial cold autoinflammatory syndrome 2. Last evaluated: 2024-06-03. Review status: criteria provided, single submitter. Criteria: Invitae Variant Classification Sherloc (09022015). Collection method: clinical testing. Allele origin: germline.
Comment: This sequence change replaces threonine, which is neutral and polar, with methionine, which is neutral and non-polar, at codon 320 of the NLRP12 protein (p.Thr320Met). This variant is present in population databases (rs560825505, gnomAD 0.03%). This variant has not been reported in the literature in individuals affected with NLRP12-related conditions. ClinVar contains an entry for this variant (Variation ID: 849890). Advanced modeling of protein sequence and biophysical properties (such as structural, functional, and spatial information, amino acid conservation, physicochemical variation, residue mobility, and thermodynamic stability) performed at Invitae indicates that this missense variant is not expected to disrupt NLRP12 protein function with a negative predictive value of 80%. In summary, the available evidence is currently insufficient to determine the role of this variant in disease. Therefore, it has been classified as a Variant of Uncertain Significance.

Blueprint Genetics
Classification: Uncertain significance. Last evaluated: 2020-01-21. Review status: criteria provided, single submitter. Criteria: ACMG Guidelines, 2015. Collection method: clinical testing. Allele origin: germline.

NM_144687.4(NLRP12):c.959C>T (p.Thr320Met)

Gene: NLRP12 (NLR family pyrin domain containing 12; minus strand). Cytogenetic location: 19q13.42.
Variant type: single nucleotide variant.
Coding change: c.959C>T on transcript NM_144687.4 (MANE Select); coding-DNA position 959, C replaced by T.
Protein change: p.Thr320Met; replaces threonine 320 with methionine.
Molecular consequence: missense variant.
Genome position (GRCh38, 1-based): chr19:53,810,700, G>A on the plus strand (C>T on the coding strand, the complement: NLRP12 is on the minus strand). VCF-style: chr19-53810700-G-A. GRCh37 (hg19) VCF-style: chr19-54313954-G-A.
Other names: c.959C>T, p.Thr320Met (NM_001277126.2, NM_001277129.1); short protein forms T320M.
Identifiers: ClinVar variation 849890 (VCV000849890.11), dbSNP rs560825505, ClinGen allele CA9639558.